The following is an entry in ClinVar:

ClinVar aggregate classification (germline): Uncertain significance (1 of 4 stars; one submission).

Conditions:
Tumor predisposition syndrome 3 (TPDS3). Also called: Melanoma, cutaneous malignant, susceptibility to, 10; Glioma susceptibility 9; LONG TELOMERE SYNDROME, POT1-RELATED; POT1 Tumor Predisposition. Identifiers: Orphanet 618, MedGen C4014476, MONDO:0014368, OMIM 615848.

Submission:

Labcorp Genetics (formerly Invitae), Labcorp
Classification: Uncertain significance for Tumor predisposition syndrome 3. Last evaluated: 2022-01-11. Review status: criteria provided, single submitter. Criteria: Invitae Variant Classification Sherloc (09022015). Collection method: clinical testing. Allele origin: germline.
Comment: This variant is not present in population databases (gnomAD no frequency). This variant has not been reported in the literature in individuals affected with POT1-related conditions. Algorithms developed to predict the effect of missense changes on protein structure and function (SIFT, PolyPhen-2, Align-GVGD) all suggest that this variant is likely to be tolerated. In summary, the available evidence is currently insufficient to determine the role of this variant in disease. Therefore, it has been classified as a Variant of Uncertain Significance. This sequence change replaces valine, which is neutral and non-polar, with leucine, which is neutral and non-polar, at codon 156 of the POT1 protein (p.Val156Leu).

NM_015450.3(POT1):c.466G>C (p.Val156Leu)

Gene: POT1 (protection of telomeres 1; minus strand). Cytogenetic location: 7q31.33.
Variant type: single nucleotide variant.
Coding change: c.466G>C on transcript NM_015450.3 (MANE Select); coding-DNA position 466, G replaced by C.
Protein change: p.Val156Leu; replaces valine 156 with leucine.
Molecular consequence: missense variant. On other transcripts: non-coding transcript variant (3).
Genome position (GRCh38, 1-based): chr7:124,863,430, C>G on the plus strand (G>C on the coding strand, the complement: POT1 is on the minus strand). VCF-style: chr7-124863430-C-G. GRCh37 (hg19) VCF-style: chr7-124503484-C-G.
Other names: c.73G>C, p.Val25Leu (NM_001042594.2); short protein forms V25L, V156L.
Identifiers: ClinVar variation 2080090 (VCV002080090.4), dbSNP rs1795646926, ClinGen allele CA369059097.